The following is an entry in ClinVar:

NC_000004.11:g.(?_123844232)_(124177336_124235042)dup

Gene: AFG2A (AFG2 AAA ATPase homolog A; plus strand). Cytogenetic location: 4q28.1.
Variant type: Duplication.
Identifiers: ClinVar variation 3896214 (VCV003896214.2).

ClinVar aggregate classification (germline): Uncertain significance (1 of 4 stars; one submission).

Submission:

Women's Health and Genetics/Laboratory Corporation of America, LabCorp
Classification: Uncertain significance. Last evaluated: 2025-04-17. Review status: criteria provided, single submitter. Criteria: LabCorp Variant Classification Summary - May 2015. Collection method: clinical testing. Allele origin: germline.
Comment: Variant summary: The variant involves the duplication of exons 1-15 in the AFG2A gene (also known as SPATA5). A presumed nomenclature of c.(?_-66)_(2505+1_2506-1)dup has been designated for the purposes of this classification. The exact breakpoint at the 5' end of this variant is unknown, therefore this duplication may extend upstream of the annotated region of this gene. It is predicted to duplicate a segment including the initiation codon, therefore its impact on the encoded protein is unknown. The variant was absent in 21694 control chromosomes. The available data on variant occurrences in the general population are insufficient to allow any conclusion about variant significance. To our knowledge, no occurrence of c.(?_-66)_(2505+1_2506-1)dup in individuals affected with Epilepsy, Hearing Loss, And Mental Retardation Syndrome and no experimental evidence demonstrating its impact on protein function have been reported. ClinVar contains an entry for this variant (Variation ID: 833456). Based on the evidence outlined above, the variant was classified as uncertain significance.